The following is an entry in ClinVar:

NM_001277115.2(DNAH11):c.693-2A>G

Gene: DNAH11 (dynein axonemal heavy chain 11; plus strand). Cytogenetic location: 7p15.3.
Variant type: single nucleotide variant.
Coding change: c.693-2A>G on transcript NM_001277115.2 (MANE Select); the canonical splice acceptor site of the intron before coding-DNA position 693, A replaced by G.
Molecular consequence: splice acceptor variant.
Genome position (GRCh38, 1-based): chr7:21,559,601, A>G. VCF-style: chr7-21559601-A-G. GRCh37 (hg19) VCF-style: chr7-21599219-A-G.
Identifiers: ClinVar variation 3019952 (VCV003019952.4), dbSNP rs1562660214, ClinGen allele CA366932683.
Genomic context (GRCh38, chr7:21,559,601, plus strand): 5'-AGTCTATGTCTTTGGATAAAATGATTCATCTTTGAATTATTTTATTATCTTAATGTTTGT[A>G]GGCCACCGTCAAACGAAAGGATAATACTTCATGCAATTGAATCTGTGGTTATTGAATGGT-3'

ClinVar aggregate classification (germline): Likely pathogenic. Review status: criteria provided, multiple submitters, no conflicts (2 of 4 stars). 2 submissions from 2 submitters: Likely pathogenic (2). Last evaluated 2025-03-20.

Conditions:
Primary ciliary dyskinesia 7. Also called: CILIARY DYSKINESIA, PRIMARY, 7, WITH OR WITHOUT SITUS INVERSUS. Identifiers: Orphanet 244, MedGen C2678473, MONDO:0012748, OMIM 611884.
Primary ciliary dyskinesia. Also called: Ciliary dyskinesia. Identifiers: Orphanet 244, MedGen C0008780, MONDO:0016575, HP:0012265.

Allele frequency attached by ClinVar (database versions not stated): gnomAD exomes below 0.00001.
gnomAD v4.1: 5 of 1,595,692 alleles (0.00031%); highest among the groups gnomAD compares: Middle Eastern, 0.017%; no homozygotes.

Submissions (2):

First Genomix Gene Laboratory, Genetic Diagnostics Department
Classification: Likely pathogenic for Primary ciliary dyskinesia 7. Last evaluated: 2025-03-20. Review status: criteria provided, single submitter. Criteria: ACMG Guidelines, 2015. Collection method: clinical testing. Allele origin: germline. Inheritance: Autosomal recessive inheritance. Affected: no. Observed: 1 variant allele.

Labcorp Genetics (formerly Invitae), Labcorp
Classification: Likely pathogenic for Primary ciliary dyskinesia. Last evaluated: 2024-03-13. Review status: criteria provided, single submitter. Criteria: Invitae Variant Classification Sherloc (09022015). Collection method: clinical testing. Allele origin: germline.
Comment: This sequence change affects an acceptor splice site in intron 3 of the DNAH11 gene. It is expected to disrupt RNA splicing. Variants that disrupt the donor or acceptor splice site typically lead to a loss of protein function (PMID: 16199547), and loss-of-function variants in DNAH11 are known to be pathogenic (PMID: 18022865, 20513915, 22184204). This variant is not present in population databases (gnomAD no frequency). This variant has not been reported in the literature in individuals affected with DNAH11-related conditions. Algorithms developed to predict the effect of sequence changes on RNA splicing suggest that this variant may disrupt the consensus splice site. In summary, the currently available evidence indicates that the variant is pathogenic, but additional data are needed to prove that conclusively. Therefore, this variant has been classified as Likely Pathogenic.

Literature cited by the submitters: PubMed 16199547 (cited by Labcorp Genetics (formerly Invitae), Labcorp); PubMed 18022865 (cited by Labcorp Genetics (formerly Invitae), Labcorp); PubMed 20513915 (cited by Labcorp Genetics (formerly Invitae), Labcorp); PubMed 22184204 (cited by Labcorp Genetics (formerly Invitae), Labcorp).